The following is an entry in ClinVar:

NM_000535.7(PMS2):c.364A>G (p.Ile122Val)

Gene: PMS2 (PMS1 homolog 2, mismatch repair system component; minus strand). Cytogenetic location: 7p22.1.
Variant type: single nucleotide variant.
Coding change: c.364A>G on transcript NM_000535.7 (MANE Select); coding-DNA position 364, A replaced by G.
Protein change: p.Ile122Val; replaces isoleucine 122 with valine.
Molecular consequence: missense variant. On other transcripts: 5 prime UTR variant (8), non-coding transcript variant (1).
Genome position (GRCh38, 1-based): chr7:6,002,626, T>C on the plus strand (A>G on the coding strand, the complement: PMS2 is on the minus strand). VCF-style: chr7-6002626-T-C. GRCh37 (hg19) VCF-style: chr7-6042257-T-C.
Other names: c.-42A>G (NM_001322003.2, NM_001322004.2, NM_001322005.2 and 3 more transcripts); c.364A>G, p.Ile122Val (NM_001322006.2, NM_001322014.2); c.46A>G, p.Ile16Val (NM_001322007.2, NM_001322008.2); c.-521A>G (NM_001322011.2, NM_001322012.2); c.55A>G, p.Ile19Val (NM_001322015.2); short protein forms I122V, I16V, I19V.
Identifiers: ClinVar variation 650940 (VCV000650940.16), dbSNP rs761748894, ClinGen allele CA049575.

ClinVar aggregate classification (germline): Conflicting classifications of pathogenicity. Review status: criteria provided, conflicting classifications (1 of 4 stars). 4 submissions from 4 submitters: Uncertain significance (3); Likely benign (1). Last evaluated 2025-07-27.

Conditions:
Lynch syndrome. Identifiers: Orphanet 144, MedGen C4552100, MONDO:0005835. Disease mechanism: loss of function.
Hereditary cancer-predisposing syndrome. Also called: Neoplastic Syndromes, Hereditary; Tumor predisposition; Hereditary Cancer Syndrome; Hereditary neoplastic syndrome. Identifiers: Orphanet 140162, MedGen C0027672, MeSH D009386, MONDO:0015356.
Hereditary nonpolyposis colorectal neoplasms. Identifiers: MedGen C0009405, MeSH D003123.
Lynch syndrome 4 (LYNCH4). Also called: Hereditary non-polyposis colorectal cancer, type 4; Colorectal cancer, hereditary nonpolyposis, type 4. Identifiers: Orphanet 144, MedGen C1838333, MONDO:0013699, OMIM 614337. Disease mechanism: loss of function.

Allele frequency attached by ClinVar (database versions not stated): ExAC 0.00001.
gnomAD v4.1: 4 of 1,611,504 alleles (0.00025%); highest among the groups gnomAD compares: Non-Finnish European, 0.00025%; no homozygotes.

Submissions (4):

Labcorp Genetics (formerly Invitae), Labcorp
Classification: Uncertain significance for Hereditary nonpolyposis colorectal neoplasms. Last evaluated: 2025-07-27. Review status: criteria provided, single submitter. Criteria: Invitae Variant Classification Sherloc (09022015). Collection method: clinical testing. Allele origin: germline.
Comment: This sequence change replaces isoleucine, which is neutral and non-polar, with valine, which is neutral and non-polar, at codon 122 of the PMS2 protein (p.Ile122Val). This variant is present in population databases (rs761748894, gnomAD 0.0009%). This variant has not been reported in the literature in individuals affected with PMS2-related conditions. ClinVar contains an entry for this variant (Variation ID: 650940). Invitae Evidence Modeling incorporating data from in vitro experimental studies (internal data) indicates that this missense variant is not expected to disrupt PMS2 function with a negative predictive value of 95%. In summary, the available evidence is currently insufficient to determine the role of this variant in disease. Therefore, it has been classified as a Variant of Uncertain Significance.

Ambry Genetics
Classification: Uncertain significance for Hereditary cancer-predisposing syndrome. Last evaluated: 2024-09-12. Review status: criteria provided, single submitter. Criteria: Ambry Variant Classification Scheme 2023. Collection method: clinical testing. Allele origin: germline.
Comment: The p.I122V variant (also known as c.364A>G), located in coding exon 5 of the PMS2 gene, results from an A to G substitution at nucleotide position 364. The isoleucine at codon 122 is replaced by valine, an amino acid with highly similar properties. This amino acid position is well conserved in available vertebrate species. In addition, the in silico prediction for this alteration is inconclusive. Since supporting evidence is limited at this time, the clinical significance of this alteration remains unclear.

All of Us Research Program, National Institutes of Health
Classification: Likely benign for Lynch syndrome. Last evaluated: 2024-08-06. Review status: criteria provided, single submitter. Criteria: ACMG Guidelines, 2015. Collection method: clinical testing. Allele origin: germline. Inheritance: Autosomal dominant inheritance. Observed: 1 variant allele, 1 heterozygote.
Comment: This study involves interpretation of variants in research participants for the purpose of population health screening. Participant phenotype was not available at the time of variant classification. Additional details can be found in publication PMID: 35346344, PMCID: PMC8962531

Baylor Genetics
Classification: Uncertain significance for Lynch syndrome 4. Last evaluated: 2023-12-13. Review status: criteria provided, single submitter. Criteria: ACMG Guidelines, 2015. Collection method: clinical testing. Allele origin: unknown.